The following is an entry in ClinVar:

NM_007373.4(SHOC2):c.656T>C (p.Met219Thr)

Gene: SHOC2 (SHOC2 leucine rich repeat scaffold protein; plus strand). Cytogenetic location: 10q25.2.
Variant type: single nucleotide variant.
Coding change: c.656T>C on transcript NM_007373.4 (MANE Select); coding-DNA position 656, T replaced by C.
Protein change: p.Met219Thr; replaces methionine 219 with threonine.
Molecular consequence: missense variant.
Genome position (GRCh38, 1-based): chr10:110,965,014, T>C. VCF-style: chr10-110965014-T-C. GRCh37 (hg19) VCF-style: chr10-112724772-T-C.
Other names: c.656T>C, p.Met219Thr (NM_001269039.3, NM_001324336.2, NM_001324337.2); short protein forms M219T.
Identifiers: ClinVar variation 2640835 (VCV002640835.24), dbSNP rs2493840527, ClinGen allele CA378386531.
Genomic context (GRCh38, chr10:110,965,014, plus strand): 5'-TTCGCTTTAATCGTATAACTACTGTGGAAAAGGACATCAAAAACTTGTCAAAACTCAGCA[T>C]GCTTAGCATTCGAGAGAACAAAATTAAACAACTACCTGCTGAAATTGGTAAGAGGCCTTG-3'
Protein context (NP_031399.2, residues 209-229): KDIKNLSKLS[Met219Thr]LSIRENKIKQ

ClinVar aggregate classification (germline): Uncertain significance (1 of 4 stars; one submission).

Submission:

CeGaT Center for Human Genetics Tuebingen
Classification: Uncertain significance. Last evaluated: 2022-11-01. Review status: criteria provided, single submitter. Criteria: CeGaT Center For Human Genetics Tuebingen Variant Classification Criteria Version 2. Collection method: clinical testing. Allele origin: germline. Affected: yes. Observed: 1 variant allele.
Comment: SHOC2: PM2